The following is an entry in ClinVar:

ClinVar aggregate classification (germline): Uncertain significance (1 of 4 stars; one submission).

Conditions:
Peutz-Jeghers syndrome (PJS). Also called: POLYPOSIS, HAMARTOMATOUS INTESTINAL; POLYPS-AND-SPOTS SYNDROME; Peutz-Jeghers polyposis; Periorificial lentiginosis syndrome. Identifiers: Orphanet 2869, MedGen C0031269, MeSH D010580, MONDO:0008280, OMIM 175200.

Submission:

Labcorp Genetics (formerly Invitae), Labcorp
Classification: Uncertain significance for Peutz-Jeghers syndrome. Last evaluated: 2022-09-23. Review status: criteria provided, single submitter. Criteria: Invitae Variant Classification Sherloc (09022015). Collection method: clinical testing. Allele origin: germline.
Comment: In summary, the available evidence is currently insufficient to determine the role of this variant in disease. Therefore, it has been classified as a Variant of Uncertain Significance. Variants that disrupt the consensus splice site are a relatively common cause of aberrant splicing (PMID: 17576681, 9536098). Studies have shown that this variant results in activation of a cryptic splice site and introduces a new termination codon (Invitae). However the mRNA is not expected to undergo nonsense-mediated decay. This variant has not been reported in the literature in individuals affected with STK11-related conditions. This variant is not present in population databases (gnomAD no frequency). This variant results in the deletion of part of exon 8 (c.1099_1108+73del) of the STK11 gene. RNA analysis indicates that this variant induces altered splicing and likely disrupts the C-terminus of the protein.

Literature cited by the submitters: PubMed 17576681; PubMed 9536098.

NM_000455.5(STK11):c.1099_1108+73del

Genes: STK11 (serine/threonine kinase 11; plus strand), LOC130062899 (ATAC-STARR-seq lymphoblastoid active region 13597; plus strand). Cytogenetic location: 19p13.3.
Variant type: Deletion.
Coding change: c.1099_1108+73del on transcript NM_000455.5 (MANE Select); coding-DNA position 1099 through 73 bases into the intron after coding-DNA position 1108, 83 bases deleted.
Molecular consequence: splice donor variant.
Genome position (GRCh38, 1-based): chr19:1,223,163-1,223,245, 83 bases deleted. GRCh37 (hg19): chr19:1,223,162-1,223,244.
Identifiers: ClinVar variation 2032310 (VCV002032310.4), dbSNP rs2512949445, ClinGen allele CA2580096144.